The following is an entry in ClinVar:

NM_004855.5(PIGB):c.1624C>T (p.Arg542Trp)

Genes: CCPG1 (cell cycle progression 1; minus strand), DNAAF4-CCPG1 (DNAAF4-CCPG1 readthrough (NMD candidate); minus strand), PIGB (phosphatidylinositol glycan anchor biosynthesis class B; plus strand). Cytogenetic location: 15q21.3.
Variant type: single nucleotide variant.
Coding change: c.1624C>T on transcript NM_004855.5 (MANE Select); coding-DNA position 1624, C replaced by T.
Protein change: p.Arg542Trp; replaces arginine 542 with tryptophan.
Molecular consequence: missense variant. On other transcripts: non-coding transcript variant (1), 3 prime UTR variant (4).
Genome position (GRCh38, 1-based): chr15:55,355,391, C>T. VCF-style: chr15-55355391-C-T. GRCh37 (hg19) VCF-style: chr15-55647589-C-T.
Other names: c.*829G>A (NM_001204450.2, NM_001204451.2); c.*4108G>A (NM_004748.6, NM_020739.5); short protein forms R542W.
Identifiers: ClinVar variation 2049888 (VCV002049888.1), dbSNP rs765017632, ClinGen allele CA7574140.
Genomic context (GRCh38, chr15:55,355,391, plus strand): 5'-GTTTTCTTCCACACTCACTTGCCAGAGGGTCGAATTGGAAGTCACATATATGTCTATGAA[C>T]GGAAGTTAAAAGGGAAATTCAACATGAAGATGAAATTCTGAACTTTCCTAGATAAATTAA-3'
Protein context (NP_004846.4, residues 532-552): RIGSHIYVYE[Arg542Trp]KLKGKFNMKM

ClinVar aggregate classification (germline): Uncertain significance (1 of 4 stars; one submission).

Allele frequency attached by ClinVar (database versions not stated): ExAC 0.00002; gnomAD exomes 0.00002; TOPMed 0.00004; gnomAD 0.00005.
gnomAD v4.1: 39 of 1,609,312 alleles (0.0024%); highest among the groups gnomAD compares: East Asian, 0.013%; no homozygotes.

Submission:

Labcorp Genetics (formerly Invitae), Labcorp
Classification: Uncertain significance. Last evaluated: 2021-12-13. Review status: criteria provided, single submitter. Criteria: Invitae Variant Classification Sherloc (09022015). Collection method: clinical testing. Allele origin: germline.
Comment: This sequence change replaces arginine, which is basic and polar, with tryptophan, which is neutral and slightly polar, at codon 542 of the PIGB protein (p.Arg542Trp). This variant is present in population databases (rs765017632, gnomAD 0.006%). This variant has not been reported in the literature in individuals affected with PIGB-related conditions. Algorithms developed to predict the effect of missense changes on protein structure and function are either unavailable or do not agree on the potential impact of this missense change (SIFT: "Deleterious"; PolyPhen-2: "Probably Damaging"; Align-GVGD: "Class C0"). In summary, the available evidence is currently insufficient to determine the role of this variant in disease. Therefore, it has been classified as a Variant of Uncertain Significance.